The following is an entry in ClinVar:

NM_001429.4(EP300):c.4026-1G>T

Gene: EP300 (EP300 lysine acetyltransferase; plus strand). Cytogenetic location: 22q13.2.
Variant type: single nucleotide variant.
Coding change: c.4026-1G>T on transcript NM_001429.4 (MANE Select); the canonical splice acceptor site of the intron before coding-DNA position 4026, G replaced by T.
Molecular consequence: splice acceptor variant.
Genome position (GRCh38, 1-based): chr22:41,168,720, G>T. VCF-style: chr22-41168720-G-T. GRCh37 (hg19) VCF-style: chr22-41564724-G-T.
Other names: c.3948-1G>T (NM_001362843.2).
Identifiers: ClinVar variation 4292523 (VCV004292523.1).

ClinVar aggregate classification (germline): Likely pathogenic (1 of 4 stars; one submission).

Conditions:
Rubinstein-Taybi syndrome due to EP300 haploinsufficiency. Also called: EP300-Related Rubinstein-Taybi Syndrome; RUBINSTEIN-TAYBI SYNDROME 2. Identifiers: Orphanet 353284, Orphanet 783, MedGen C3150941, MONDO:0013364, OMIM 613684.

Submission:

3billion
Classification: Likely pathogenic for Rubinstein-Taybi syndrome due to EP300 haploinsufficiency. Last evaluated: 2025-01-08. Review status: criteria provided, single submitter. Criteria: ACMG Guidelines, 2015. Collection method: clinical testing. Allele origin: germline. Affected: yes.
Comment: The variant is not observed in the gnomAD v4.1.0 dataset. Predicted Consequence/Location: Canonical splice site: predicted to alter splicing and result in a loss or disruption of normal protein function. Multiple pathogenic loss-of-function variants are reported downstream of the variant. In silico tools predict the variant to alter splicing and produce an abnormal transcript [SpliceAI: 1.00 (spliceogenicity >=0.2, non-spliceogenicity <0.1)]. Therefore, this variant is classified as Likely pathogenic according to the recommendation of ACMG/AMP guideline.